The following is an entry in ClinVar:

NM_001267550.2(TTN):c.89454A>G (p.Gln29818=)

Genes: TTN (titin; minus strand), TTN-AS1 (TTN antisense RNA 1; plus strand). Cytogenetic location: 2q31.2.
Variant type: single nucleotide variant.
Coding change: c.89454A>G on transcript NM_001267550.2 (MANE Select); coding-DNA position 89454, A replaced by G.
Protein change: p.Gln29818=; no amino-acid change (glutamine 29818 retained).
Molecular consequence: synonymous variant.
Genome position (GRCh38, 1-based): chr2:178,553,551, T>C on the plus strand (A>G on the coding strand, the complement: TTN is on the minus strand). VCF-style: chr2-178553551-T-C. GRCh37 (hg19) VCF-style: chr2-179418278-T-C.
Other names: c.84531A>G, p.Gln28177= (NM_001256850.1); c.62259A>G, p.Gln20753= (NM_003319.4); c.81750A>G, p.Gln27250= (NM_133378.4); c.62634A>G, p.Gln20878= (NM_133432.3); c.62835A>G, p.Gln20945= (NM_133437.4).
Identifiers: ClinVar variation 509093 (VCV000509093.1), dbSNP rs1553542694, ClinGen allele CA430246083.
Genomic context (GRCh38, chr2:178,553,551, plus strand): 5'-TAGGTACATACCAAGTATATCTTTAGCTTGTACAGGTTCATTCATTTCTATAGGTTCTCC[T>C]TGTCCAGCACAGTTTACAGCAGATACCCGGAAGTAGTAATTGACTCCAGGTTTCAGGTTG-3'
Protein context (NP_001254479.2, residues 29808-29828): FRVSAVNCAG[Gln29818=]GEPIEMNEPV

ClinVar aggregate classification (germline): Likely benign (1 of 4 stars; one submission).

Submission:

GeneDx
Classification: Likely benign. Last evaluated: 2017-04-19. Review status: criteria provided, single submitter. Criteria: GeneDx Variant Classification (06012015). Collection method: clinical testing. Allele origin: germline. Affected: yes.
Comment: This variant is considered likely benign or benign based on one or more of the following criteria: it is a conservative change, it occurs at a poorly conserved position in the protein, it is predicted to be benign by multiple in silico algorithms, and/or has population frequency not consistent with disease.